The following is an entry in ClinVar:

ClinVar aggregate classification (germline): Uncertain significance. Review status: criteria provided, single submitter (1 of 4 stars). 2 submissions from 2 submitters: Uncertain significance (1). 1 of the submissions does not count toward it. Last evaluated 2021-08-28.

Conditions:
Mucopolysaccharidosis type 1. Also called: IDUA deficiency; MPS I. Identifiers: Orphanet 579, MedGen C0023786, MONDO:0001586.

Allele frequency attached by ClinVar (database versions not stated): TOPMed below 0.00001.
gnomAD v4.1: 18 of 1,526,954 alleles (0.0012%); highest among the groups gnomAD compares: Admixed American, 0.002%; no homozygotes.

Submissions (2):

Labcorp Genetics (formerly Invitae), Labcorp
Classification: Uncertain significance for Mucopolysaccharidosis type 1. Last evaluated: 2021-08-28. Review status: criteria provided, single submitter. Criteria: Invitae Variant Classification Sherloc (09022015). Collection method: clinical testing. Allele origin: germline.
Comment: This sequence change replaces leucine with methionine at codon 530 of the IDUA protein (p.Leu530Met). The leucine residue is moderately conserved and there is a small physicochemical difference between leucine and methionine. The frequency data for this variant in the population databases is considered unreliable, as metrics indicate insufficient coverage at this position in the ExAC database. This variant has not been reported in the literature in individuals affected with IDUA-related conditions. Algorithms developed to predict the effect of missense changes on protein structure and function are either unavailable or do not agree on the potential impact of this missense change (SIFT: "Tolerated"; PolyPhen-2: "Probably Damaging"; Align-GVGD: "Class C0"). In summary, the available evidence is currently insufficient to determine the role of this variant in disease. Therefore, it has been classified as a Variant of Uncertain Significance.

Natera, Inc.
Classification: Uncertain significance for Mucopolysaccharidosis type I. Last evaluated: 2020-08-05. Review status: no assertion criteria provided. Collection method: clinical testing. Allele origin: germline. Not counted in ClinVar's aggregate classification.

NM_000203.5(IDUA):c.1588C>A (p.Leu530Met)

Gene: IDUA (alpha-L-iduronidase; plus strand). Cytogenetic location: 4p16.3.
Variant type: single nucleotide variant.
Coding change: c.1588C>A on transcript NM_000203.5 (MANE Select); coding-DNA position 1588, C replaced by A.
Protein change: p.Leu530Met; replaces leucine 530 with methionine.
Molecular consequence: missense variant. On other transcripts: non-coding transcript variant (1).
Genome position (GRCh38, 1-based): chr4:1,003,408, C>A. VCF-style: chr4-1003408-C-A. GRCh37 (hg19) VCF-style: chr4-997196-C-A.
Other names: c.1192C>A, p.Leu398Met (NM_001363576.1); short protein forms L530M, L398M.
Identifiers: ClinVar variation 971311 (VCV000971311.10), dbSNP rs749053703, ClinGen allele CA355965014.